The following is an entry in ClinVar:

NM_024598.4(USB1):c.509T>C (p.Phe170Ser)

Gene: USB1 (U6 snRNA biogenesis phosphodiesterase 1; plus strand). Cytogenetic location: 16q21.
Variant type: single nucleotide variant.
Coding change: c.509T>C on transcript NM_024598.4 (MANE Select); coding-DNA position 509, T replaced by C.
Protein change: p.Phe170Ser; replaces phenylalanine 170 with serine.
Molecular consequence: missense variant.
Genome position (GRCh38, 1-based): chr16:58,017,339, T>C. VCF-style: chr16-58017339-T-C. GRCh37 (hg19) VCF-style: chr16-58051243-T-C.
Other names: c.455T>C, p.Phe152Ser (NM_001195302.2); c.356T>C, p.Phe119Ser (NM_001330568.2); short protein forms F119S, F152S, F170S.
Identifiers: ClinVar variation 4866369 (VCV004866369.1).

ClinVar aggregate classification (germline): Uncertain significance (1 of 4 stars; one submission).

Conditions:
Inborn genetic diseases. Identifiers: MedGen C0950123, MeSH D030342.

Submission:

Ambry Genetics
Classification: Uncertain significance for Inborn genetic diseases. Last evaluated: 2026-05-23. Review status: criteria provided, single submitter. Criteria: Ambry Variant Classification Scheme 2023. Collection method: clinical testing. Allele origin: germline.
Comment: The p.F170S variant (also known as c.509T>C), located in coding exon 5 of the USB1 gene, results from a T to C substitution at nucleotide position 509. The phenylalanine at codon 170 is replaced by serine, an amino acid with highly dissimilar properties. This amino acid position is conserved. In addition, this alteration is predicted to be deleterious by in silico analysis. Based on the available evidence, the clinical significance of this variant remains unclear.